The following is an entry in ClinVar:

ClinVar aggregate classification (germline): Likely benign (1 of 4 stars; one submission).

Conditions:
LRP5-related disorder. Also called: LRP5-related condition.

gnomAD v4.1: 19 of 1,613,970 alleles (0.0012%); highest among the groups gnomAD compares: South Asian, 0.0055%; 1 homozygote.

Submission:

PreventionGenetics, part of Exact Sciences
Classification: Likely benign for LRP5-related condition. Last evaluated: 2026-02-17. Review status: criteria provided, single submitter. Criteria: ACMG Guidelines, 2015. Collection method: clinical testing. Allele origin: germline.
Comment: This variant is classified as likely benign based on ACMG/AMP sequence variant interpretation guidelines (Richards et al. 2015 PMID: 25741868, with internal and published modifications).

NM_002335.4(LRP5):c.2016G>A (p.Thr672=)

Gene: LRP5 (LDL receptor related protein 5; plus strand). Cytogenetic location: 11q13.2.
Variant type: single nucleotide variant.
Coding change: c.2016G>A on transcript NM_002335.4 (MANE Select); coding-DNA position 2016, G replaced by A.
Protein change: p.Thr672=; no amino-acid change (threonine 672 retained).
Molecular consequence: synonymous variant.
Genome position (GRCh38, 1-based): chr11:68,406,738, G>A. VCF-style: chr11-68406738-G-A. GRCh37 (hg19) VCF-style: chr11-68174206-G-A.
Other names: c.273G>A, p.Thr91= (NM_001291902.2).
Identifiers: ClinVar variation 4977138 (VCV004977138.1).